The following is an entry in ClinVar:

NM_000439.5(PCSK1):c.1666G>A (p.Val556Ile)

Genes: CAST (calpastatin; plus strand), PCSK1 (proprotein convertase subtilisin/kexin type 1; minus strand), LOC101929710 (uncharacterized LOC101929710; plus strand). Cytogenetic location: 5q15.
Variant type: single nucleotide variant.
Coding change: c.1666G>A on transcript NM_000439.5 (MANE Select); coding-DNA position 1666, G replaced by A.
Protein change: p.Val556Ile; replaces valine 556 with isoleucine.
Molecular consequence: missense variant. On other transcripts: intron variant (11).
Genome position (GRCh38, 1-based): chr5:96,397,392, C>T on the plus strand (G>A on the coding strand, the complement: PCSK1 is on the minus strand). VCF-style: chr5-96397392-C-T. GRCh37 (hg19) VCF-style: chr5-95733096-C-T.
Other names: c.1525G>A, p.Val509Ile (NM_001177875.2); c.-175+17740C>T (NM_001423254.1, NM_001423259.1, NM_001423255.1 and 6 more transcripts); c.-103+17740C>T (NM_001423253.1); c.-40+17740C>T (NM_001423258.1); short protein forms V509I, V556I.
Identifiers: ClinVar variation 2636888 (VCV002636888.3), dbSNP rs746741588, ClinGen allele CA3350167.

ClinVar aggregate classification (germline): Uncertain significance (1 of 4 stars; one submission).

Conditions:
PCSK1-related disorder. Also called: PCSK1-related condition.

Allele frequency attached by ClinVar (database versions not stated): gnomAD exomes 0.00004; ExAC 0.00002; gnomAD 0.00005; TOPMed 0.00003.
gnomAD v4.1: 71 of 1,611,930 alleles (0.0044%); highest among the groups gnomAD compares: Non-Finnish European, 0.0056%; no homozygotes.

Submission:

PreventionGenetics, part of Exact Sciences
Classification: Uncertain significance for PCSK1-related condition. Last evaluated: 2025-09-29. Review status: criteria provided, single submitter. Criteria: ACMG Guidelines, 2015. Collection method: clinical testing. Allele origin: germline.
Comment: The PCSK1 c.1666G>A variant is predicted to result in the amino acid substitution p.Val556Ile. This variant was observed in a cohort of individuals with obesity, and in vitro functional studies show supporting evidence of loss of function (Table 3 and Supplemental Data Set, Shah et al. 2023. PubMed ID: 36864747). This variant is reported in 0.0054% of alleles in individuals of European (non-Finnish) descent in gnomAD. Although we suspect this variant may be pathogenic, at this time, the clinical significance of this variant is uncertain due to the absence of conclusive functional and genetic evidence.